The following is an entry in ClinVar:

NM_001319074.4(RAX2):c.217G>A (p.Val73Met)

Gene: RAX2 (retina and anterior neural fold homeobox 2; minus strand). Cytogenetic location: 19p13.3.
Variant type: single nucleotide variant.
Coding change: c.217G>A on transcript NM_001319074.4 (MANE Select); coding-DNA position 217, G replaced by A.
Protein change: p.Val73Met; replaces valine 73 with methionine.
Molecular consequence: missense variant.
Genome position (GRCh38, 1-based): chr19:3,770,959, C>T on the plus strand (G>A on the coding strand, the complement: RAX2 is on the minus strand). VCF-style: chr19-3770959-C-T. GRCh37 (hg19) VCF-style: chr19-3770957-C-T.
Other names: c.217G>A (NM_032753.3); c.217G>A, p.Val73Met (NM_032753.4); short protein forms V73M.
Identifiers: ClinVar variation 1500683 (VCV001500683.10), dbSNP rs775877146, ClinGen allele CA9085067.
Genomic context (GRCh38, chr19:3,770,959, plus strand): 5'-CCGAGCCTGACTCCAGCCGCTCCTGGCGGCGCCACTTGGCCCGGCGGTTCTGGAACCACA[C>T]CTGGAGGGTGCGAGAGGGAAGGGGGGTTGCTGTGAGCTCAGCCGCTCCCCGCCAATCCTC-3'
Protein context (NP_001306003.2, residues 63-83): KVHLPEVRVQ[Val73Met]WFQNRRAKWR

ClinVar aggregate classification (germline): Uncertain significance. Review status: criteria provided, multiple submitters, no conflicts (2 of 4 stars). 3 submissions from 3 submitters: Uncertain significance (3). Last evaluated 2024-12-23.

Allele frequency attached by ClinVar (database versions not stated): gnomAD 0.00001; gnomAD exomes 0.00002; TOPMed 0.00002; ExAC 0.00005.

Submissions (3):

Ambry Genetics
Classification: Uncertain significance. Last evaluated: 2024-12-23. Review status: criteria provided, single submitter. Criteria: Ambry Variant Classification Scheme 2023. Collection method: clinical testing. Allele origin: germline.

Labcorp Genetics (formerly Invitae), Labcorp
Classification: Uncertain significance. Last evaluated: 2024-04-25. Review status: criteria provided, single submitter. Criteria: Invitae Variant Classification Sherloc (09022015). Collection method: clinical testing. Allele origin: germline.
Comment: This sequence change replaces valine, which is neutral and non-polar, with methionine, which is neutral and non-polar, at codon 73 of the RAX2 protein (p.Val73Met). The frequency data for this variant in the population databases is considered unreliable, as metrics indicate poor data quality at this position in the gnomAD database. This variant has not been reported in the literature in individuals affected with RAX2-related conditions. ClinVar contains an entry for this variant (Variation ID: 1500683). An algorithm developed to predict the effect of missense changes on protein structure and function (PolyPhen-2) suggests that this variant is likely to be disruptive. In summary, the available evidence is currently insufficient to determine the role of this variant in disease. Therefore, it has been classified as a Variant of Uncertain Significance.

Blueprint Genetics
Classification: Uncertain significance. Last evaluated: 2021-10-22. Review status: criteria provided, single submitter. Criteria: ACMG Guidelines, 2015. Collection method: clinical testing. Allele origin: germline.